The following is an entry in ClinVar:

ClinVar aggregate classification (germline): Conflicting classifications of pathogenicity. Review status: criteria provided, conflicting classifications (1 of 4 stars). 3 submissions from 3 submitters: Uncertain significance (2); Likely benign (1). Last evaluated 2024-01-22.

Conditions:
LAMB2-related infantile-onset nephrotic syndrome. Also called: NEPHROTIC SYNDROME, TYPE 5, WITHOUT OCULAR ABNORMALITIES; NEPHROTIC SYNDROME, TYPE 5, WITH OCULAR ABNORMALITIES; Nephrotic Syndrome, type 5. Identifiers: Orphanet 306507, MedGen C3280113, MONDO:0013621, OMIM 614199.
Pierson syndrome. Also called: MICROCORIA-CONGENITAL NEPHROTIC SYNDROME. Identifiers: Orphanet 2670, MedGen C1836876, MONDO:0012184, OMIM 609049.
Inborn genetic diseases. Identifiers: MedGen C0950123, MeSH D030342.

Allele frequency attached by ClinVar (database versions not stated): gnomAD exomes below 0.00001 and 0.00001; ExAC 0.00002; TOPMed 0.00004; gnomAD 0.00006; ESP Exome Variant Server 0.00008; 1000 Genomes Project 0.00020; 1000 Genomes Project 30x 0.00031.

Submissions (3):

Fulgent Genetics
Classification: Uncertain significance for Pierson syndrome; LAMB2-related infantile-onset nephrotic syndrome. Last evaluated: 2024-01-22. Review status: criteria provided, single submitter. Criteria: ACMG Guidelines, 2015. Collection method: clinical testing. Allele origin: germline.

Ambry Genetics
Classification: Likely benign for Inborn genetic diseases. Last evaluated: 2023-05-09. Review status: criteria provided, single submitter. Criteria: Ambry Variant Classification Scheme 2023. Collection method: clinical testing. Allele origin: germline.

Labcorp Genetics (formerly Invitae), Labcorp
Classification: Uncertain significance for LAMB2-related infantile-onset nephrotic syndrome; Pierson syndrome. Last evaluated: 2022-05-27. Review status: criteria provided, single submitter. Criteria: Invitae Variant Classification Sherloc (09022015). Collection method: clinical testing. Allele origin: germline.
Comment: This sequence change replaces phenylalanine, which is neutral and non-polar, with leucine, which is neutral and non-polar, at codon 677 of the LAMB2 protein (p.Phe677Leu). This variant is present in population databases (rs373260991, gnomAD 0.02%). This variant has not been reported in the literature in individuals affected with LAMB2-related conditions. ClinVar contains an entry for this variant (Variation ID: 651471). Algorithms developed to predict the effect of missense changes on protein structure and function output the following: SIFT: "Tolerated"; PolyPhen-2: "Benign"; Align-GVGD: "Class C0". The leucine amino acid residue is found in multiple mammalian species, which suggests that this missense change does not adversely affect protein function. In summary, the available evidence is currently insufficient to determine the role of this variant in disease. Therefore, it has been classified as a Variant of Uncertain Significance.

NM_002292.4(LAMB2):c.2029T>C (p.Phe677Leu)

Gene: LAMB2 (laminin subunit beta 2; minus strand). Cytogenetic location: 3p21.31.
Variant type: single nucleotide variant.
Coding change: c.2029T>C on transcript NM_002292.4 (MANE Select); coding-DNA position 2029, T replaced by C.
Protein change: p.Phe677Leu; replaces phenylalanine 677 with leucine.
Molecular consequence: missense variant.
Genome position (GRCh38, 1-based): chr3:49,126,487, A>G on the plus strand (T>C on the coding strand, the complement: LAMB2 is on the minus strand). VCF-style: chr3-49126487-A-G. GRCh37 (hg19) VCF-style: chr3-49163920-A-G.
Other names: short protein forms F677L.
Identifiers: ClinVar variation 651471 (VCV000651471.8), dbSNP rs373260991, ClinGen allele CA2394416.